The following is an entry in ClinVar:

NM_001080467.3(MYO5B):c.3843G>A (p.Ala1281=)

Gene: MYO5B (myosin VB; minus strand). Cytogenetic location: 18q21.1.
Variant type: single nucleotide variant.
Coding change: c.3843G>A on transcript NM_001080467.3 (MANE Select); coding-DNA position 3843, G replaced by A.
Protein change: p.Ala1281=; no amino-acid change (alanine 1281 retained).
Molecular consequence: synonymous variant.
Genome position (GRCh38, 1-based): chr18:49,864,141, C>T on the plus strand (G>A on the coding strand, the complement: MYO5B is on the minus strand). VCF-style: chr18-49864141-C-T. GRCh37 (hg19) VCF-style: chr18-47390511-C-T.
Identifiers: ClinVar variation 1417370 (VCV001417370.4), dbSNP rs779005002, ClinGen allele CA8960577.

ClinVar aggregate classification (germline): Uncertain significance (1 of 4 stars; one submission).

Allele frequency attached by ClinVar (database versions not stated): ExAC 0.00001; gnomAD exomes 0.00001; TOPMed 0.00001; gnomAD 0.00002.
gnomAD v4.1: 26 of 1,607,820 alleles (0.0016%); highest among the groups gnomAD compares: Non-Finnish European, 0.0019%; no homozygotes.

Submissions (2):

Labcorp Genetics (formerly Invitae), Labcorp
Classification: Uncertain significance. Last evaluated: 2021-08-19. Review status: criteria provided, single submitter. Criteria: Invitae Variant Classification Sherloc (09022015). Collection method: clinical testing. Allele origin: germline.
Comment: This sequence change affects codon 1281 of the MYO5B mRNA. It is a 'silent' change, meaning that it does not change the encoded amino acid sequence of the MYO5B protein. This variant also falls at the last nucleotide of exon 28, which is part of the consensus splice site for this exon. This variant is present in population databases (rs779005002, ExAC 0.002%). This variant has not been reported in the literature in individuals affected with MYO5B-related conditions. Variants that disrupt the consensus splice site are a relatively common cause of aberrant splicing (PMID: 17576681, 9536098). Algorithms developed to predict the effect of sequence changes on RNA splicing suggest that this variant may disrupt the consensus splice site. In summary, the available evidence is currently insufficient to determine the role of this variant in disease. Therefore, it has been classified as a Variant of Uncertain Significance.

Dr. Peter K. Rogan Lab, Western University
No classification provided (evidence only). Condition: Clear cell carcinoma of kidney. Review status: no classification provided. Collection method: in vitro. Allele origin: not applicable. Functional consequence: skipped exon. Not counted in ClinVar's aggregate classification.

Literature cited by the submitters: PubMed 17576681 (cited by Labcorp Genetics (formerly Invitae), Labcorp); PubMed 9536098 (cited by Labcorp Genetics (formerly Invitae), Labcorp).